The following is an entry in ClinVar:

ClinVar aggregate classification (germline): Benign (1 of 4 stars; one submission).

Allele frequency attached by ClinVar (database versions not stated): 1000 Genomes Project 30x 0.06496; TOPMed 0.06527; 1000 Genomes Project 0.06769; gnomAD 0.06873 and 0.07157.
gnomAD v4.1: 10,919 of 152,126 alleles (7.2%); highest among the groups gnomAD compares: South Asian, 15%; 524 homozygotes.

Submission:

GeneDx
Classification: Benign. Last evaluated: 2018-06-14. Review status: criteria provided, single submitter. Criteria: GeneDx Variant Classification (06012015). Collection method: clinical testing. Allele origin: germline. Affected: yes.
Comment: This variant is considered likely benign or benign based on one or more of the following criteria: it is a conservative change, it occurs at a poorly conserved position in the protein, it is predicted to be benign by multiple in silico algorithms, and/or has population frequency not consistent with disease.

NM_018060.4(IARS2):c.390+232C>T

Gene: IARS2 (isoleucyl-tRNA synthetase 2, mitochondrial; plus strand). Cytogenetic location: 1q41.
Variant type: single nucleotide variant.
Coding change: c.390+232C>T on transcript NM_018060.4 (MANE Select); 232 bases into the intron after coding-DNA position 390, C replaced by T.
Molecular consequence: intron variant.
Genome position (GRCh38, 1-based): chr1:220,096,458, C>T. VCF-style: chr1-220096458-C-T. GRCh37 (hg19) VCF-style: chr1-220269800-C-T.
Identifiers: ClinVar variation 680665 (VCV000680665.1), dbSNP rs78887187, ClinGen allele CA10858477.